The following is an entry in ClinVar:

NM_000642.3(AGL):c.2896A>T (p.Met966Leu)

Gene: AGL (amylo-alpha-1,6-glucosidase and 4-alpha-glucanotransferase; plus strand). Cytogenetic location: 1p21.2.
Variant type: single nucleotide variant.
Coding change: c.2896A>T on transcript NM_000642.3 (MANE Select); coding-DNA position 2896, A replaced by T.
Protein change: p.Met966Leu; replaces methionine 966 with leucine.
Molecular consequence: missense variant.
Genome position (GRCh38, 1-based): chr1:99,891,303, A>T. VCF-style: chr1-99891303-A-T. GRCh37 (hg19) VCF-style: chr1-100356859-A-T.
Other names: c.2896A>T, p.Met966Leu (NM_000028.3, NM_000643.3, NM_000644.3 and 1 more transcripts); c.2848A>T, p.Met950Leu (NM_000646.3); c.2875A>T, p.Met959Leu (NM_001425326.1); c.2695A>T, p.Met899Leu (NM_001425327.1); c.2692A>T, p.Met898Leu (NM_001425328.1); c.2557A>T, p.Met853Leu (NM_001425329.1); c.2518A>T, p.Met840Leu (NM_001425332.1); short protein forms M950L, M966L, M840L, M853L, M898L, M899L, M959L.
Identifiers: ClinVar variation 990720 (VCV000990720.4), dbSNP rs772843306, ClinGen allele CA966927.
Genomic context (GRCh38, chr1:99,891,303, plus strand): 5'-ATAAGACCAAAGAATGACTTGGGGCATCCTTTTTGTAATAATTTGAGATCTGGAGATTGG[A>T]TGATTGACTATGTCAGTAACCGGCTTATTTCACGATCAGGAACTATTGCTGAAGTAAGTA-3'
Protein context (NP_000633.2, residues 956-976): FCNNLRSGDW[Met966Leu]IDYVSNRLIS

ClinVar aggregate classification (germline): Uncertain significance. Review status: criteria provided, multiple submitters, no conflicts (2 of 4 stars). 4 submissions from 4 submitters: Uncertain significance (3). 1 of the submissions does not count toward it. Last evaluated 2023-04-11.

Conditions:
Glycogen storage disease type III (GSD3). Also called: Cori disease; FORBES DISEASE. Identifiers: Orphanet 366, MedGen C0017922, MONDO:0009291, OMIM 232400.

Allele frequency attached by ClinVar (database versions not stated): ExAC 0.00002.
gnomAD v4.1: 5 of 1,613,812 alleles (0.00031%); highest among the groups gnomAD compares: South Asian, 0.0033%; no homozygotes.

Submissions (4):

Genome-Nilou Lab
Classification: Uncertain significance for Glycogen storage disease type III. Last evaluated: 2023-04-11. Review status: criteria provided, single submitter. Criteria: ACMG Guidelines, 2015. Collection method: clinical testing. Allele origin: germline. Affected: no.

Fulgent Genetics
Classification: Uncertain significance for Glycogen storage disease type III. Last evaluated: 2022-05-04. Review status: criteria provided, single submitter. Criteria: ACMG Guidelines, 2015. Collection method: clinical testing. Allele origin: unknown.

Labcorp Genetics (formerly Invitae), Labcorp
Classification: Uncertain significance for Glycogen storage disease type III. Last evaluated: 2022-04-27. Review status: criteria provided, single submitter. Criteria: Invitae Variant Classification Sherloc (09022015). Collection method: clinical testing. Allele origin: germline.
Comment: This sequence change replaces methionine, which is neutral and non-polar, with leucine, which is neutral and non-polar, at codon 966 of the AGL protein (p.Met966Leu). This variant is present in population databases (rs772843306, gnomAD 0.003%). This variant has not been reported in the literature in individuals affected with AGL-related conditions. ClinVar contains an entry for this variant (Variation ID: 990720). Algorithms developed to predict the effect of missense changes on protein structure and function (SIFT, PolyPhen-2, Align-GVGD) all suggest that this variant is likely to be tolerated. In summary, the available evidence is currently insufficient to determine the role of this variant in disease. Therefore, it has been classified as a Variant of Uncertain Significance.

Natera, Inc.
Classification: Uncertain significance for Glycogen storage disease type III. Last evaluated: 2020-06-23. Review status: no assertion criteria provided. Collection method: clinical testing. Allele origin: germline. Not counted in ClinVar's aggregate classification.